The following is an entry in ClinVar:

NM_000169.3(GLA):c.488G>T (p.Gly163Val)

Genes: GLA (galactosidase alpha; minus strand), RPL36A-HNRNPH2 (RPL36A-HNRNPH2 readthrough; plus strand). Cytogenetic location: Xq22.1.
Variant type: single nucleotide variant.
Coding change: c.488G>T on transcript NM_000169.3 (MANE Select); coding-DNA position 488, G replaced by T.
Protein change: p.Gly163Val; replaces glycine 163 with valine.
Molecular consequence: missense variant. On other transcripts: non-coding transcript variant (3), intron variant (2).
Genome position (GRCh38, 1-based): chrX:101,401,691, C>A on the plus strand (G>T on the coding strand, the complement: GLA is on the minus strand). VCF-style: chrX-101401691-C-A. GRCh37 (hg19) VCF-style: chrX-100656679-C-A.
Other names: c.611G>T, p.Gly204Val (NM_001406747.1, NM_001406749.1); c.488G>T, p.Gly163Val (NM_001406748.1); c.300+6234C>A (NM_001199973.2); c.177+9869C>A (NM_001199974.2); short protein forms G163V, G204V.
Identifiers: ClinVar variation 4087387 (VCV004087387.2).

ClinVar aggregate classification (germline): Pathogenic (1 of 4 stars; one submission).

Conditions:
Fabry disease. Also called: ALPHA-GALACTOSIDASE A DEFICIENCY; ANDERSON-FABRY DISEASE; CERAMIDE TRIHEXOSIDASE DEFICIENCY; GLA DEFICIENCY; HEREDITARY DYSTOPIC LIPIDOSIS; Angiokeratoma corporis diffusum. Identifiers: Orphanet 324, MedGen C0002986, MONDO:0010526, OMIM 301500, HP:0001071. Disease mechanism: Fabry disease is due to inactivating mutations in the X-linked GLA gene resulting in deficiency of the enzyme Alpha Galactosidase-A., loss of function.

Submission:

Genomenon, Inc
Classification: Pathogenic for Fabry disease. Last evaluated: 2026-09-08. Review status: criteria provided, single submitter. Criteria: Genomenon Sequence Variant Interpretation Standards - Updated. Collection method: curation. Allele origin: germline. Affected: yes.
Comment: GLA p.Gly163Val (c.488G>T) is a missense variant that changes the amino acid at codon 163 from Glycine to Valine. This variant has been observed in at least one proband with clinical features consistent with Fabry disease (PMID:36087505;30644091;9100224;35338595). The variant was found to segregate with disease in at least one affected family (PMID:30644091). At least one functional study has demonstrated a substantial alteration in protein function relative to the wild-type (PMID:27657681). This variant is located in a mutational hotspot and/or important functional domain. It is absent or not present at a significant frequency in gnomAD. In silico models predict that this variant is possibly or probably damaging. In conclusion, we classify GLA p.Gly163Val (c.488G>T) as a pathogenic variant.

Literature cited by the submitters: PubMed 36087505; PubMed 30644091; PubMed 9100224; PubMed 35338595; PubMed 27657681.